The following is an entry in ClinVar:

ClinVar aggregate classification (germline): Likely benign. Review status: criteria provided, multiple submitters, no conflicts (2 of 4 stars). 3 submissions from 3 submitters: Likely benign (2). 1 of the submissions does not count toward it. Last evaluated 2025-06-04.

Conditions:
PHIP-related disorder. Also called: PHIP-related condition; PHIP-related disorders.

gnomAD v4.1: 14 of 1,601,348 alleles (0.00087%); highest among the groups gnomAD compares: South Asian, 0.0044%; no homozygotes.

Submissions (3):

Labcorp Genetics (formerly Invitae), Labcorp
Classification: Likely benign. Last evaluated: 2025-06-04. Review status: criteria provided, single submitter. Criteria: Invitae Variant Classification Sherloc (09022015). Collection method: clinical testing. Allele origin: germline.

CeGaT Center for Human Genetics Tuebingen
Classification: Likely benign. Last evaluated: 2021-11-01. Review status: criteria provided, single submitter. Criteria: CeGaT Center For Human Genetics Tuebingen Variant Classification Criteria Version 2. Collection method: clinical testing. Allele origin: germline. Affected: yes. Observed: 1 variant allele.

PreventionGenetics, part of Exact Sciences
Classification: Likely benign for PHIP-related condition. Last evaluated: 2022-08-24. Review status: no assertion criteria provided. Collection method: clinical testing. Allele origin: germline. Not counted in ClinVar's aggregate classification.
Comment: This variant is classified as likely benign based on ACMG/AMP sequence variant interpretation guidelines (Richards et al. 2015 PMID: 25741868, with internal and published modifications).

NM_017934.7(PHIP):c.2496C>T (p.Ser832=)

Gene: PHIP (PHIP subunit of CUL4-Ring ligase complex; minus strand). Cytogenetic location: 6q14.1.
Variant type: single nucleotide variant.
Coding change: c.2496C>T on transcript NM_017934.7 (MANE Select); coding-DNA position 2496, C replaced by T.
Protein change: p.Ser832=; no amino-acid change (serine 832 retained).
Molecular consequence: synonymous variant.
Genome position (GRCh38, 1-based): chr6:78,985,393, G>A on the plus strand (C>T on the coding strand, the complement: PHIP is on the minus strand). VCF-style: chr6-78985393-G-A. GRCh37 (hg19) VCF-style: chr6-79695110-G-A.
Other names: c.2496C>T (NM_017934.6).
Identifiers: ClinVar variation 1335632 (VCV001335632.38), dbSNP rs376565558, ClinGen allele CA3899926.